The following is an entry in ClinVar:

ClinVar aggregate classification (germline): Uncertain significance. Review status: criteria provided, single submitter (1 of 4 stars). 2 submissions from 2 submitters: Uncertain significance (1). 1 of the submissions does not count toward it. Last evaluated 2022-08-16.

Conditions:
ALG6-congenital disorder of glycosylation 1C (CDG1C). Also called: CDG Ic; Congenital disorder of glycosylation, type Ic; CARBOHYDRATE-DEFICIENT GLYCOPROTEIN SYNDROME, TYPE I, WITH DEFICIENT GLYCOSYLATION OF DOLICHOL-LINKED OLIGOSACCHARIDE; CARBOHYDRATE-DEFICIENT GLYCOPROTEIN SYNDROME, TYPE V; Congenital disorder of glycosylation type 1C. Identifiers: Orphanet 79320, MedGen C2930997, MONDO:0011291, OMIM 603147.

Submissions (2):

Labcorp Genetics (formerly Invitae), Labcorp
Classification: Uncertain significance for ALG6-congenital disorder of glycosylation 1C. Last evaluated: 2022-08-16. Review status: criteria provided, single submitter. Criteria: Invitae Variant Classification Sherloc (09022015). Collection method: clinical testing. Allele origin: germline.
Comment: This variant, c.784_786del, results in the deletion of 1 amino acid(s) of the ALG6 protein (p.Arg262del), but otherwise preserves the integrity of the reading frame. This variant is present in population databases (no rsID available, gnomAD 0.006%). This variant has not been reported in the literature in individuals affected with ALG6-related conditions. ClinVar contains an entry for this variant (Variation ID: 552109). Experimental studies and prediction algorithms are not available or were not evaluated, and the functional significance of this variant is currently unknown. Algorithms developed to predict the effect of sequence changes on RNA splicing suggest that this variant may disrupt the consensus splice site. In summary, the available evidence is currently insufficient to determine the role of this variant in disease. Therefore, it has been classified as a Variant of Uncertain Significance.

Counsyl
Classification: Uncertain significance for ALG6-congenital disorder of glycosylation 1C. Last evaluated: 2017-05-23. Review status: no assertion criteria provided. Collection method: clinical testing. Allele origin: unknown. Not counted in ClinVar's aggregate classification.

NM_013339.4(ALG6):c.781AGA[1] (p.Arg262del)

Gene: ALG6 (ALG6 alpha-1,3-glucosyltransferase; plus strand). Cytogenetic location: 1p31.3.
Variant type: Microsatellite.
Coding change: c.781AGA[1] on transcript NM_013339.4 (MANE Select); one copy of the 3-base unit AGA starting at c.781; the reference has two copies in a row; one copy, 3 bases deleted.
Protein change: p.Arg262del; deletes arginine 262.
Molecular consequence: inframe deletion.
Genome position (GRCh38, 1-based): chr1:63,412,029-63,412,031, AGA deleted; deleting any 3 consecutive bases within chr1:63,412,025-63,412,031 gives the same sequence; the position shown is the placement nearest the transcript's 3' end. VCF-style (leftmost placement, unchanged base first): chr1-63412024-TAAG-T. GRCh37 (hg19) VCF-style: chr1-63877695-TAAG-T.
Other names: short protein forms R262del.
Identifiers: ClinVar variation 552109 (VCV000552109.6), dbSNP rs886548508, ClinGen allele CA23806834.